The following is an entry in ClinVar:

ClinVar aggregate classification (germline): Pathogenic (1 of 4 stars; one submission).

Conditions:
Progressive familial intrahepatic cholestasis type 2. Identifiers: Orphanet 79304, MedGen C3489789, MONDO:0011156, OMIM 601847.

Submission:

3billion
Classification: Pathogenic for Progressive familial intrahepatic cholestasis type 2. Last evaluated: 2022-03-22. Review status: criteria provided, single submitter. Criteria: ACMG Guidelines, 2015. Collection method: clinical testing. Allele origin: germline. Affected: yes. Observed: 1 homozygote.
Comment: Frameshift: predicted to result in a loss or disruption of normal protein function through nonsense-mediated decay (NMD) or protein truncation. Multiple pathogenic variants are reported downstream of the variant.It is not observed in the gnomAD v2.1.1 dataset. Therefore, this variant is classified as pathogenic according to the recommendation of ACMG/AMP guideline.

NM_003742.4(ABCB11):c.2451del (p.Tyr818fs)

Gene: ABCB11 (ATP binding cassette subfamily B member 11; minus strand). Cytogenetic location: 2q31.1.
Variant type: Deletion.
Coding change: c.2451del on transcript NM_003742.4 (MANE Select); coding-DNA position 2451, one base deleted (A; older notation c.2451delA).
Protein change: p.Tyr818fs; shifts the reading frame from tyrosine 818.
Molecular consequence: frameshift variant.
Genome position (GRCh38, 1-based): chr2:168,944,764, T deleted on the plus strand (A on the coding strand, the reverse complement: ABCB11 is on the minus strand). VCF-style (leftmost placement, unchanged base first): chr2-168944763-AT-A. GRCh37 (hg19) VCF-style: chr2-169801273-AT-A.
Other names: short protein forms Y818fs.
Identifiers: ClinVar variation 1526232 (VCV001526232.1), dbSNP rs2105912644, ClinGen allele CA2573133645.